The following is an entry in ClinVar:

ClinVar aggregate classification (germline): Likely benign. Review status: criteria provided, multiple submitters, no conflicts (2 of 4 stars). 2 submissions from 2 submitters: Likely benign (2). Last evaluated 2025-06-12.

Conditions:
Ehlers-Danlos syndrome, musculocontractural type 2 (EDSMC2). Identifiers: Orphanet 2953, MedGen C3809845, MONDO:0014236, OMIM 615539.

Allele frequency attached by ClinVar (database versions not stated): ExAC 0.00001; gnomAD 0.00001; gnomAD exomes 0.00001 and 0.00002; TOPMed 0.00001.
gnomAD v4.1: 23 of 1,605,844 alleles (0.0014%); highest among the groups gnomAD compares: Admixed American, 0.0034%; 1 homozygote.

Submissions (2):

Labcorp Genetics (formerly Invitae), Labcorp
Classification: Likely benign for Ehlers-Danlos syndrome, musculocontractural type 2. Last evaluated: 2025-06-12. Review status: criteria provided, single submitter. Criteria: Invitae Variant Classification Sherloc (09022015). Collection method: clinical testing. Allele origin: germline.

GeneDx
Classification: Likely benign. Last evaluated: 2018-02-14. Review status: criteria provided, single submitter. Criteria: GeneDx Variant Classification (06012015). Collection method: clinical testing. Allele origin: germline. Affected: yes.
Comment: This variant is considered likely benign or benign based on one or more of the following criteria: it is a conservative change, it occurs at a poorly conserved position in the protein, it is predicted to be benign by multiple in silico algorithms, and/or has population frequency not consistent with disease.

NM_013352.4(DSE):c.416+13C>T

Gene: DSE (dermatan sulfate epimerase; plus strand). Cytogenetic location: 6q22.1.
Variant type: single nucleotide variant.
Coding change: c.416+13C>T on transcript NM_013352.4 (MANE Select); 13 bases into the intron after coding-DNA position 416, C replaced by T.
Molecular consequence: intron variant.
Genome position (GRCh38, 1-based): chr6:116,399,679, C>T. VCF-style: chr6-116399679-C-T. GRCh37 (hg19) VCF-style: chr6-116720842-C-T.
Other names: c.416+13C>T (NM_001322937.2, NM_001322938.2, NM_001080976.3 and 2 more transcripts); c.-146+17C>T (NM_001322940.2, NM_001322941.2); c.473+13C>T (NM_001322939.2).
Identifiers: ClinVar variation 506691 (VCV000506691.8), dbSNP rs765373035, ClinGen allele CA3969508.
Genomic context (GRCh38, chr6:116,399,679, plus strand): 5'-AGACATGGCCAAAGACTACATGGAGAGGATGGCAGCGCAGCCTAGTTGGTAGATTTTTGT[C>T]TTGTTCTTCTTACTGTGGTAACTCTGCATTAGAAAGAAACAAATCCATATGACATCTCAG-3'